The following is an entry in ClinVar:

ClinVar aggregate classification (germline): Uncertain significance (1 of 4 stars; one submission).

Submission:

Labcorp Genetics (formerly Invitae), Labcorp
Classification: Uncertain significance. Last evaluated: 2022-10-25. Review status: criteria provided, single submitter. Criteria: Invitae Variant Classification Sherloc (09022015). Collection method: clinical testing. Allele origin: germline.
Comment: In summary, the available evidence is currently insufficient to determine the role of this variant in disease. Therefore, it has been classified as a Variant of Uncertain Significance. Advanced modeling of protein sequence and biophysical properties (such as structural, functional, and spatial information, amino acid conservation, physicochemical variation, residue mobility, and thermodynamic stability) performed at Invitae indicates that this missense variant is not expected to disrupt SLC7A9 protein function. This variant has not been reported in the literature in individuals affected with SLC7A9-related conditions. This variant is not present in population databases (gnomAD no frequency). This sequence change replaces leucine, which is neutral and non-polar, with phenylalanine, which is neutral and non-polar, at codon 32 of the SLC7A9 protein (p.Leu32Phe).

NM_014270.5(SLC7A9):c.94C>T (p.Leu32Phe)

Gene: SLC7A9 (solute carrier family 7 member 9; minus strand). Cytogenetic location: 19q13.11.
Variant type: single nucleotide variant.
Coding change: c.94C>T on transcript NM_014270.5 (MANE Select); coding-DNA position 94, C replaced by T.
Protein change: p.Leu32Phe; replaces leucine 32 with phenylalanine.
Molecular consequence: missense variant.
Genome position (GRCh38, 1-based): chr19:32,864,770, G>A on the plus strand (C>T on the coding strand, the complement: SLC7A9 is on the minus strand). VCF-style: chr19-32864770-G-A. GRCh37 (hg19) VCF-style: chr19-33355676-G-A.
Other names: c.94C>T, p.Leu32Phe (NM_001126335.2, NM_001243036.2); short protein forms L32F.
Identifiers: ClinVar variation 2104428 (VCV002104428.4), dbSNP rs2513610383, ClinGen allele CA405204719.